The following is an entry in ClinVar:

NM_003070.5(SMARCA2):c.1864G>T (p.Glu622Ter)

Gene: SMARCA2 (SWI/SNF related BAF chromatin remodeling complex subunit ATPase 2; plus strand). Cytogenetic location: 9p24.3.
Variant type: single nucleotide variant.
Coding change: c.1864G>T on transcript NM_003070.5 (MANE Select); coding-DNA position 1864, G replaced by T.
Protein change: p.Glu622Ter; replaces glutamic acid 622 with a stop codon.
Molecular consequence: nonsense.
Genome position (GRCh38, 1-based): chr9:2,073,329, G>T. VCF-style: chr9-2073329-G-T. GRCh37 (hg19) VCF-style: chr9-2073329-G-T.
Other names: c.1864G>T, p.Glu622Ter (NM_001289396.2, NM_001289397.2, NM_139045.4); short protein forms E622*.
Identifiers: ClinVar variation 4536712 (VCV004536712.1).

ClinVar aggregate classification (germline): Uncertain significance (1 of 4 stars; one submission).

Submission:

Women's Health and Genetics/Laboratory Corporation of America, LabCorp
Classification: Uncertain significance. Last evaluated: 2025-11-14. Review status: criteria provided, single submitter. Criteria: LabCorp Variant Classification Summary - May 2015. Collection method: clinical testing. Allele origin: germline.
Comment: Variant summary: SMARCA2 c.1864G>T (p.Glu622X) results in a premature termination codon, predicted to cause a truncation of the encoded protein or absence of the protein due to nonsense mediated decay, however current evidence is not sufficient to establish loss of function as a mechanism for disease. The variant was absent in 251428 control chromosomes. The available data on variant occurrences in the general population are insufficient to allow any conclusion about variant significance. To our knowledge, no occurrence of c.1864G>T in individuals affected with SMARCA2-related conditions and no experimental evidence demonstrating its impact on protein function have been reported. No submitters have cited clinical-significance assessments for this variant to ClinVar. Based on the evidence outlined above, the variant was classified as uncertain significance.